The following is an entry in ClinVar:

NM_005557.4(KRT16):c.375T>C (p.Asn125=)

Gene: KRT16 (keratin 16; minus strand). Cytogenetic location: 17q21.2.
Variant type: single nucleotide variant.
Coding change: c.375T>C on transcript NM_005557.4 (MANE Select); coding-DNA position 375, T replaced by C.
Protein change: p.Asn125=; no amino-acid change (asparagine 125 retained).
Molecular consequence: synonymous variant.
Genome position (GRCh38, 1-based): chr17:41,612,314, A>G on the plus strand (T>C on the coding strand, the complement: KRT16 is on the minus strand). VCF-style: chr17-41612314-A-G. GRCh37 (hg19) VCF-style: chr17-39768566-A-G.
Identifiers: ClinVar variation 3035632 (VCV003035632.2), dbSNP rs774650244, ClinGen allele CA8563282.
Genomic context (GRCh38, chr17:41,612,314, plus strand): 5'-CAGGTCGGCGTTGGCCTCCTCCAGAGCACGCACCTTGTCCAGGTAGGAGGCCAGGCGGTC[A>G]TTGAGGTTCTGCATGGTCACCTTCTCACTGCCCACCAGAAGCCCATCACCACCAGCAAAA-3'
Protein context (NP_005548.2, residues 115-135): GSEKVTMQNL[Asn125=]DRLASYLDKV

ClinVar aggregate classification (germline): Likely benign (0 of 4 stars; one submission).

Conditions:
KRT16-related disorder. Also called: KRT16-related condition.

Allele frequency attached by ClinVar (database versions not stated): TOPMed 0.00010; gnomAD 0.00011.

Submission:

PreventionGenetics, part of Exact Sciences
Classification: Likely benign for KRT16-related condition. Last evaluated: 2019-03-04. Review status: no assertion criteria provided. Collection method: clinical testing. Allele origin: germline.
Comment: This variant is classified as likely benign based on ACMG/AMP sequence variant interpretation guidelines (Richards et al. 2015 PMID: 25741868, with internal and published modifications).